The following is an entry in ClinVar:

NM_000218.3(KCNQ1):c.1394-18136T>G

Genes: KCNQ1 (potassium voltage-gated channel subfamily Q member 1; plus strand), KCNQ1OT1 (KCNQ1 opposite strand/antisense transcript 1; minus strand). Cytogenetic location: 11p15.5.
Variant type: single nucleotide variant.
Coding change: c.1394-18136T>G on transcript NM_000218.3 (MANE Select); 18136 bases into the intron before coding-DNA position 1394, T replaced by G.
Molecular consequence: intron variant.
Genome position (GRCh38, 1-based): chr11:2,643,825, T>G. VCF-style: chr11-2643825-T-G. GRCh37 (hg19) VCF-style: chr11-2665055-T-G.
Other names: c.1124-18136T>G (NM_001406837.1); c.1298-18136T>G (NM_001406836.1); c.854-18136T>G (NM_001406838.1); c.1013-18136T>G (NM_181798.2).
Identifiers: ClinVar variation 2498485 (VCV002498485.29), dbSNP rs760331945, ClinGen allele CA216156397.

ClinVar aggregate classification (germline): Likely benign. Review status: criteria provided, multiple submitters, no conflicts (2 of 4 stars). 2 submissions from 2 submitters: Likely benign (2). Last evaluated 2025-09-01.

Allele frequency attached by ClinVar (database versions not stated): TOPMed 0.00019; gnomAD 0.00022.
gnomAD v4.1: 107 of 398,594 alleles (0.027%); highest among the groups gnomAD compares: Middle Eastern, 0.19%; no homozygotes.

Submissions (2):

CeGaT Center for Human Genetics Tuebingen
Classification: Likely benign. Last evaluated: 2025-09-01. Review status: criteria provided, single submitter. Criteria: CeGaT Center For Human Genetics Tuebingen Variant Classification Criteria Version 2. Collection method: clinical testing. Allele origin: germline. Affected: yes. Observed: 12 variant alleles.
Comment: KCNQ1OT1: BS1

Breakthrough Genomics
Classification: Likely benign. Review status: criteria provided, single submitter. Criteria: ACMG Guidelines, 2015. Collection method: not provided. Allele origin: germline. Inheritance: Autosomal recessive inheritance. Affected: yes.